The following is an entry in ClinVar:

NM_001199138.2(NLRC4):c.784G>A (p.Glu262Lys)

Gene: NLRC4 (NLR family CARD domain containing 4; minus strand). Cytogenetic location: 2p22.3.
Variant type: single nucleotide variant.
Coding change: c.784G>A on transcript NM_001199138.2 (MANE Select); coding-DNA position 784, G replaced by A.
Protein change: p.Glu262Lys; replaces glutamic acid 262 with lysine.
Molecular consequence: missense variant. On other transcripts: intron variant (1).
Genome position (GRCh38, 1-based): chr2:32,251,080, C>T on the plus strand (G>A on the coding strand, the complement: NLRC4 is on the minus strand). VCF-style: chr2-32251080-C-T. GRCh37 (hg19) VCF-style: chr2-32476149-C-T.
Other names: c.784G>A, p.Glu262Lys (NM_001199139.2, NM_021209.5); c.262+1339G>A (NM_001302504.1); short protein forms E262K.
Identifiers: ClinVar variation 2075794 (VCV002075794.5), dbSNP rs539032542, ClinGen allele CA1602089.

ClinVar aggregate classification (germline): Uncertain significance. Review status: criteria provided, multiple submitters, no conflicts (2 of 4 stars). 2 submissions from 2 submitters: Uncertain significance (2). Last evaluated 2025-06-07.

Conditions:
Periodic fever-infantile enterocolitis-autoinflammatory syndrome. Also called: Autoinflammation with infantile enterocolitis. Identifiers: Orphanet 436166, MedGen C4015067, MONDO:0014472, OMIM 616050.
Familial cold autoinflammatory syndrome 4 (FCAS4). Identifiers: Orphanet 47045, Orphanet 576349, MedGen C4015276, MONDO:0014498, OMIM 616115.
Inborn genetic diseases. Identifiers: MedGen C0950123, MeSH D030342.

Allele frequency attached by ClinVar (database versions not stated): TOPMed 0.00002; gnomAD 0.00001; ExAC 0.00002; 1000 Genomes Project 30x 0.00016; gnomAD exomes 0.00002; 1000 Genomes Project 0.00020.
gnomAD v4.1: 27 of 1,614,090 alleles (0.0017%); highest among the groups gnomAD compares: East Asian, 0.0022%; no homozygotes.

Submissions (2):

Ambry Genetics
Classification: Uncertain significance for Inborn genetic diseases. Last evaluated: 2025-06-07. Review status: criteria provided, single submitter. Criteria: Ambry Variant Classification Scheme 2023. Collection method: clinical testing. Allele origin: germline.

Labcorp Genetics (formerly Invitae), Labcorp
Classification: Uncertain significance for Periodic fever-infantile enterocolitis-autoinflammatory syndrome; Familial cold autoinflammatory syndrome 4. Last evaluated: 2024-08-15. Review status: criteria provided, single submitter. Criteria: Invitae Variant Classification Sherloc (09022015). Collection method: clinical testing. Allele origin: germline.
Comment: This sequence change replaces glutamic acid, which is acidic and polar, with lysine, which is basic and polar, at codon 262 of the NLRC4 protein (p.Glu262Lys). This variant is present in population databases (rs539032542, gnomAD 0.003%). This variant has not been reported in the literature in individuals affected with NLRC4-related conditions. ClinVar contains an entry for this variant (Variation ID: 2075794). Invitae Evidence Modeling of protein sequence and biophysical properties (such as structural, functional, and spatial information, amino acid conservation, physicochemical variation, residue mobility, and thermodynamic stability) has been performed for this missense variant. However, the output from this modeling did not meet the statistical confidence thresholds required to predict the impact of this variant on NLRC4 protein function. In summary, the available evidence is currently insufficient to determine the role of this variant in disease. Therefore, it has been classified as a Variant of Uncertain Significance.